The following is an entry in ClinVar:

ClinVar aggregate classification (germline): Conflicting classifications of pathogenicity. Review status: criteria provided, conflicting classifications (1 of 4 stars). 3 submissions from 3 submitters: Likely pathogenic (1); Uncertain significance (2). Last evaluated 2026-04-14.

Conditions:
Familial intrahepatic cholestasis. Identifiers: Orphanet 284385, MedGen CN296401, MONDO:0017290.
Progressive familial intrahepatic cholestasis (PFIC). Also called: Progressive family intrahepatic cholestasis; Progressive intrahepatic cholestasis. Identifiers: Orphanet 172, MedGen C0268312, MONDO:0015762.

gnomAD v4.1: 2 of 1,614,056 alleles (0.00012%); highest among the groups gnomAD compares: Non-Finnish European, 0.00017%; no homozygotes.

Submissions (3):

Genomenon, Inc
Classification: Uncertain significance for Familial intrahepatic cholestasis. Last evaluated: 2026-04-14. Review status: criteria provided, single submitter. Criteria: Genomenon Sequence Variant Interpretation Standards - Updated. Collection method: curation. Allele origin: germline. Affected: yes.
Comment: ABCB4 p.Ala984Thr (c.2950G>A) is a missense variant that changes the amino acid at residue 984 from Alanine to Threonine. This variant has been observed in at least one proband with an ABCB4-related disorder (PMID:35317165;29761167;28733223). It is absent or not present at a significant frequency in gnomAD. In conclusion, we classify ABCB4 p.Ala984Thr (c.2950G>A) as a variant of uncertain significance.

Women's Health and Genetics/Laboratory Corporation of America, LabCorp
Classification: Likely pathogenic for Progressive familial intrahepatic cholestasis. Last evaluated: 2026-01-02. Review status: criteria provided, single submitter. Criteria: LabCorp Variant Classification Summary - May 2015. Collection method: clinical testing. Allele origin: germline.
Comment: Variant summary: ABCB4 c.2950G>A (p.Ala984Thr) results in a non-conservative amino acid change in the encoded protein sequence. Algorithms developed to predict the effect of missense changes on protein structure and function all suggest that this variant is likely to be disruptive. The variant was absent in 251222 control chromosomes (gnomAD). c.2950G>A has been observed in individuals affected with features of Progressive Familial Intrahepatic Cholestasis or Cholestasis, Intrahepatic, Of Pregnancy, 3 (e.g. Schatz_2018, Droge_2017, Liu_2022, Lulecioglu_2024). These data indicate that the variant is likely to be associated with disease. To our knowledge, no experimental evidence demonstrating an impact on protein function has been reported. The following publications have been ascertained in the context of this evaluation (PMID: 29761167, 28733223, 35317165, 38864694). No submitters have cited clinical-significance assessments for this variant to ClinVar. Based on the evidence outlined above, the variant was classified as likely pathogenic.

Labcorp Genetics (formerly Invitae), Labcorp
Classification: Uncertain significance. Last evaluated: 2025-12-11. Review status: criteria provided, single submitter. Criteria: Invitae Variant Classification Sherloc (09022015). Collection method: clinical testing. Allele origin: germline.
Comment: This sequence change replaces alanine, which is neutral and non-polar, with threonine, which is neutral and polar, at codon 984 of the ABCB4 protein (p.Ala984Thr). This variant is not present in population databases (gnomAD no frequency). This missense change has been observed in individual(s) with ABCB4-related conditions and/or autosomal recessive progressive familial intrahepatic cholestasis type 3 (PMID: 28733223, 29761167, 35317165, 38864694). Invitae Evidence Modeling of protein sequence and biophysical properties (such as structural, functional, and spatial information, amino acid conservation, physicochemical variation, residue mobility, and thermodynamic stability) indicates that this missense variant is not expected to disrupt ABCB4 protein function with a negative predictive value of 80%. In summary, the available evidence is currently insufficient to determine the role of this variant in disease. Therefore, it has been classified as a Variant of Uncertain Significance.

Literature cited by the submitters: PubMed 35317165 (cited by 3 submitters); PubMed 29761167 (cited by 3 submitters); PubMed 28733223 (cited by 3 submitters); PubMed 38864694 (cited by Women's Health and Genetics/Laboratory Corporation of America, LabCorp and Labcorp Genetics (formerly Invitae), Labcorp).

NM_000443.4(ABCB4):c.2950G>A (p.Ala984Thr)

Gene: ABCB4 (ATP binding cassette subfamily B member 4; minus strand). Cytogenetic location: 7q21.12.
Variant type: single nucleotide variant.
Coding change: c.2950G>A on transcript NM_000443.4 (MANE Select); coding-DNA position 2950, G replaced by A.
Protein change: p.Ala984Thr; replaces alanine 984 with threonine.
Molecular consequence: missense variant.
Genome position (GRCh38, 1-based): chr7:87,409,367, C>T on the plus strand (G>A on the coding strand, the complement: ABCB4 is on the minus strand). VCF-style: chr7-87409367-C-T. GRCh37 (hg19) VCF-style: chr7-87038683-C-T.
Other names: c.2950G>A, p.Ala984Thr (NM_018849.3); c.2809G>A, p.Ala937Thr (NM_018850.3); short protein forms A937T, A984T.
Identifiers: ClinVar variation 4689693 (VCV004689693.3).